The following is an entry in ClinVar:

NM_001267550.2(TTN):c.77618C>T (p.Ala25873Val)

Genes: TTN (titin; minus strand), TTN-AS1 (TTN antisense RNA 1; plus strand). Cytogenetic location: 2q31.2.
Variant type: single nucleotide variant.
Coding change: c.77618C>T on transcript NM_001267550.2 (MANE Select); coding-DNA position 77618, C replaced by T.
Protein change: p.Ala25873Val; replaces alanine 25873 with valine.
Molecular consequence: missense variant.
Genome position (GRCh38, 1-based): chr2:178,568,514, G>A on the plus strand (C>T on the coding strand, the complement: TTN is on the minus strand). VCF-style: chr2-178568514-G-A. GRCh37 (hg19) VCF-style: chr2-179433241-G-A.
Other names: c.72695C>T, p.Ala24232Val (NM_001256850.1); c.50423C>T, p.Ala16808Val (NM_003319.4); c.69914C>T, p.Ala23305Val (NM_133378.4); c.50798C>T, p.Ala16933Val (NM_133432.3); c.50999C>T, p.Ala17000Val (NM_133437.4); short protein forms A17000V, A23305V, A16808V, A16933V, A24232V, A25873V.
Identifiers: ClinVar variation 1029094 (VCV001029094.1), dbSNP rs751402631, ClinGen allele CA1989743.
Genomic context (GRCh38, chr2:178,568,514, plus strand): 5'-GGATCAGGTTTATCTAGAGTTACAATTTCGATGGATGCTGTCTTCTGACCAACAACATTG[G>A]CAACTGTGATTCCATATTGTCCACCATCATCCTTATGAGTTTCTTTAATACTGAGTGTGG-3'
Protein context (NP_001254479.2, residues 25863-25883): DDGGQYGITV[Ala25873Val]NVVGQKTASI

ClinVar aggregate classification (germline): Uncertain significance (1 of 4 stars; one submission).

Conditions:
Early-onset myopathy with fatal cardiomyopathy (CMYO5). Also called: CONGENITAL MYOPATHY 5 WITH CARDIOMYOPATHY; Salih Myopathy. Identifiers: Orphanet 289377, MedGen C2673677, MONDO:0012714, OMIM 611705. Disease mechanism: loss of function.

Allele frequency attached by ClinVar (database versions not stated): ExAC 0.00002.
gnomAD v4.1: 6 of 1,613,362 alleles (0.00037%); highest among the groups gnomAD compares: Admixed American, 0.01%; no homozygotes.

Submission:

Baylor Genetics
Classification: Uncertain significance for Early-onset myopathy with fatal cardiomyopathy. Last evaluated: 2020-07-24. Review status: criteria provided, single submitter. Criteria: ACMG Guidelines, 2015. Collection method: clinical testing. Allele origin: unknown. Affected: yes.
Comment: This variant was determined to be of uncertain significance according to ACMG Guidelines, 2015 [PMID:25741868].